The following is an entry in ClinVar:

NM_001042545.2(LTBP4):c.2366G>C (p.Gly789Ala)

Gene: LTBP4 (latent transforming growth factor beta binding protein 4; plus strand). Cytogenetic location: 19q13.2.
Variant type: single nucleotide variant.
Coding change: c.2366G>C on transcript NM_001042545.2 (MANE Select); coding-DNA position 2366, G replaced by C.
Protein change: p.Gly789Ala; replaces glycine 789 with alanine.
Molecular consequence: missense variant.
Genome position (GRCh38, 1-based): chr19:40,613,131, G>C. VCF-style: chr19-40613131-G-C. GRCh37 (hg19) VCF-style: chr19-41119037-G-C.
Other names: c.2567G>C, p.Gly856Ala (NM_001042544.1); c.2456G>C, p.Gly819Ala (NM_003573.2); short protein forms G789A, G819A, G856A.
Identifiers: ClinVar variation 3901746 (VCV003901746.1).

ClinVar aggregate classification (germline): Uncertain significance (1 of 4 stars; one submission).

gnomAD v4.1: 10 of 1,602,368 alleles (0.00062%); highest among the groups gnomAD compares: Admixed American, 0.0017%; no homozygotes.

Submission:

GeneDx
Classification: Uncertain significance. Last evaluated: 2024-12-04. Review status: criteria provided, single submitter. Criteria: GeneDx Variant Classification Process June 2021. Collection method: clinical testing. Allele origin: germline. Affected: yes.
Comment: Not observed at significant frequency in large population cohorts (gnomAD); In silico analysis supports that this missense variant has a deleterious effect on protein structure/function; Has not been previously published as pathogenic or benign to our knowledge; In silico analysis suggests this variant may impact gene splicing. In the absence of RNA/functional studies, the actual effect of this sequence change is unknown.